The following is an entry in ClinVar:

NM_014920.5(CILK1):c.920T>C (p.Ile307Thr)

Gene: CILK1 (ciliogenesis associated kinase 1; minus strand). Cytogenetic location: 6p12.1.
Variant type: single nucleotide variant.
Coding change: c.920T>C on transcript NM_014920.5 (MANE Select); coding-DNA position 920, T replaced by C.
Protein change: p.Ile307Thr; replaces isoleucine 307 with threonine.
Molecular consequence: missense variant. On other transcripts: non-coding transcript variant (1).
Genome position (GRCh38, 1-based): chr6:53,013,894, A>G on the plus strand (T>C on the coding strand, the complement: CILK1 is on the minus strand). VCF-style: chr6-53013894-A-G. GRCh37 (hg19) VCF-style: chr6-52878692-A-G.
Other names: c.920T>C, p.Ile307Thr (NM_001375397.1, NM_001375398.1, NM_001375399.1 and 4 more transcripts); short protein forms I307T.
Identifiers: ClinVar variation 2045434 (VCV002045434.2), dbSNP rs768168710, ClinGen allele CA3858658.

ClinVar aggregate classification (germline): Uncertain significance (1 of 4 stars; one submission).

Allele frequency attached by ClinVar (database versions not stated): gnomAD 0.00001; TOPMed below 0.00001; ExAC 0.00001.
gnomAD v4.1: 2 of 1,613,950 alleles (0.00012%); highest among the groups gnomAD compares: African/African-American, 0.0013%; no homozygotes.

Submission:

Labcorp Genetics (formerly Invitae), Labcorp
Classification: Uncertain significance. Last evaluated: 2022-09-28. Review status: criteria provided, single submitter. Criteria: Invitae Variant Classification Sherloc (09022015). Collection method: clinical testing. Allele origin: germline.
Comment: This variant is present in population databases (rs768168710, gnomAD 0.007%). In summary, the available evidence is currently insufficient to determine the role of this variant in disease. Therefore, it has been classified as a Variant of Uncertain Significance. Advanced modeling of protein sequence and biophysical properties (such as structural, functional, and spatial information, amino acid conservation, physicochemical variation, residue mobility, and thermodynamic stability) performed at Invitae indicates that this missense variant is not expected to disrupt ICK protein function. This variant has not been reported in the literature in individuals affected with ICK-related conditions. This sequence change replaces isoleucine, which is neutral and non-polar, with threonine, which is neutral and polar, at codon 307 of the ICK protein (p.Ile307Thr).